The following is an entry in ClinVar:

NM_001130438.3(SPTAN1):c.6146T>C (p.Leu2049Pro)

Gene: SPTAN1 (spectrin alpha, non-erythrocytic 1; plus strand). Cytogenetic location: 9q34.11.
Variant type: single nucleotide variant.
Coding change: c.6146T>C on transcript NM_001130438.3 (MANE Select); coding-DNA position 6146, T replaced by C.
Protein change: p.Leu2049Pro; replaces leucine 2049 with proline.
Molecular consequence: missense variant.
Genome position (GRCh38, 1-based): chr9:128,625,845, T>C. VCF-style: chr9-128625845-T-C. GRCh37 (hg19) VCF-style: chr9-131388124-T-C.
Other names: c.6071T>C, p.Leu2024Pro (NM_001195532.2, NM_001438441.1, NM_001438444.1); c.6146T>C, p.Leu2049Pro (NM_001363759.2, NM_001375310.1, NM_001375311.2 and 1 more transcripts); c.6086T>C, p.Leu2029Pro (NM_001363765.2, NM_001375314.2, NM_001438442.1); c.6182T>C, p.Leu2061Pro (NM_001375312.2, NM_001375318.1, NM_001438440.1); c.6131T>C, p.Leu2044Pro (NM_001438443.1, NM_001438445.1, NM_003127.4); short protein forms L2024P, L2029P, L2044P, L2049P, L2061P.
Identifiers: ClinVar variation 4807607 (VCV004807607.1).

ClinVar aggregate classification (germline): Uncertain significance (1 of 4 stars; one submission).

Conditions:
Early-infantile DEE. Also called: Early infantile epileptic encephalopathy; Early infantile epileptic encephalopathy with suppression bursts; Ohtahara syndrome. Identifiers: Orphanet 1934, MedGen C0393706, MONDO:0800491.

gnomAD v4.1: 4 of 1,614,170 alleles (0.00025%); highest among the groups gnomAD compares: Non-Finnish European, 0.00034%; no homozygotes.

Submission:

Labcorp Genetics (formerly Invitae), Labcorp
Classification: Uncertain significance for Early-infantile DEE. Last evaluated: 2025-09-08. Review status: criteria provided, single submitter. Criteria: Invitae Variant Classification Sherloc (09022015). Collection method: clinical testing. Allele origin: germline.
Comment: This sequence change replaces leucine, which is neutral and non-polar, with proline, which is neutral and non-polar, at codon 2049 of the SPTAN1 protein (p.Leu2049Pro). This variant is not present in population databases (gnomAD no frequency). This variant has not been reported in the literature in individuals affected with SPTAN1-related conditions. Invitae Evidence Modeling of protein sequence and biophysical properties (such as structural, functional, and spatial information, amino acid conservation, physicochemical variation, residue mobility, and thermodynamic stability) has been performed for this missense variant. However, the output from this modeling did not meet the statistical confidence thresholds required to predict the impact of this variant on SPTAN1 protein function. In summary, the available evidence is currently insufficient to determine the role of this variant in disease. Therefore, it has been classified as a Variant of Uncertain Significance.